The following is an entry in ClinVar:

NM_022051.3(EGLN1):c.327G>C (p.Lys109Asn)

Gene: EGLN1 (egl-9 family hypoxia inducible factor 1; minus strand). Cytogenetic location: 1q42.2.
Variant type: single nucleotide variant.
Coding change: c.327G>C on transcript NM_022051.3 (MANE Select); coding-DNA position 327, G replaced by C.
Protein change: p.Lys109Asn; replaces lysine 109 with asparagine.
Molecular consequence: missense variant.
Genome position (GRCh38, 1-based): chr1:231,421,562, C>G on the plus strand (G>C on the coding strand, the complement: EGLN1 is on the minus strand). VCF-style: chr1-231421562-C-G. GRCh37 (hg19) VCF-style: chr1-231557308-C-G.
Other names: c.327G>C, p.Lys109Asn (NM_001377260.1, NM_001377261.1); short protein forms K109N.
Identifiers: ClinVar variation 3507249 (VCV003507249.1).

ClinVar aggregate classification (germline): Uncertain significance (1 of 4 stars; one submission).

Submission:

Ambry Genetics
Classification: Uncertain significance. Last evaluated: 2024-11-23. Review status: criteria provided, single submitter. Criteria: Ambry Variant Classification Scheme 2023. Collection method: clinical testing. Allele origin: germline.
Comment: The p.K109N variant (also known as c.327G>C), located in coding exon 1 of the EGLN1 gene, results from a G to C substitution at nucleotide position 327. The lysine at codon 109 is replaced by asparagine, an amino acid with similar properties. This amino acid position is conserved. In addition, this alteration is predicted to be tolerated by in silico analysis. Based on the available evidence, the clinical significance of this variant remains unclear.